The following is an entry in ClinVar:

NM_000890.5(KCNJ5):c.209C>A (p.Thr70Asn)

Gene: KCNJ5 (potassium inwardly rectifying channel subfamily J member 5; plus strand). Cytogenetic location: 11q24.3.
Variant type: single nucleotide variant.
Coding change: c.209C>A on transcript NM_000890.5 (MANE Select); coding-DNA position 209, C replaced by A.
Protein change: p.Thr70Asn; replaces threonine 70 with asparagine.
Molecular consequence: missense variant.
Genome position (GRCh38, 1-based): chr11:128,911,482, C>A. VCF-style: chr11-128911482-C-A. GRCh37 (hg19) VCF-style: chr11-128781377-C-A.
Other names: c.209C>A, p.Thr70Asn (NM_001354169.2); short protein forms T70N.
Identifiers: ClinVar variation 3532479 (VCV003532479.1).

ClinVar aggregate classification (germline): Uncertain significance (1 of 4 stars; one submission).

Conditions:
Cardiovascular phenotype. Identifiers: MedGen CN230736.

gnomAD v4.1: 1 of 1,614,246 alleles (0.000062%); highest among the groups gnomAD compares: Non-Finnish European, 0.000085%; no homozygotes.

Submission:

Ambry Genetics
Classification: Uncertain significance for Cardiovascular phenotype. Last evaluated: 2024-10-17. Review status: criteria provided, single submitter. Criteria: Ambry Variant Classification Scheme 2023. Collection method: clinical testing. Allele origin: germline.
Comment: The p.T70N variant (also known as c.209C>A), located in coding exon 1 of the KCNJ5 gene, results from a C to A substitution at nucleotide position 209. The threonine at codon 70 is replaced by asparagine, an amino acid with similar properties. This amino acid position is well conserved in available vertebrate species. In addition, the in silico prediction for this alteration is inconclusive. Based on the available evidence, the clinical significance of this variant remains unclear.